The following is an entry in ClinVar:

ClinVar aggregate classification (germline): Uncertain significance. Review status: criteria provided, single submitter (1 of 4 stars). 2 submissions from 2 submitters: Uncertain significance (1). 1 of the submissions does not count toward it. Last evaluated 2021-11-17.

Conditions:
TRPM1-related disorder. Also called: TRPM1-related condition.

gnomAD v4.1: 5 of 1,614,062 alleles (0.00031%); highest among the groups gnomAD compares: African/African-American, 0.0067%; no homozygotes.

Submissions (2):

Blueprint Genetics
Classification: Uncertain significance. Last evaluated: 2021-11-17. Review status: criteria provided, single submitter. Criteria: ACMG Guidelines, 2015. Collection method: clinical testing. Allele origin: germline.

PreventionGenetics, part of Exact Sciences
Classification: Uncertain significance for TRPM1-related condition. Last evaluated: 2024-03-29. Review status: no assertion criteria provided. Collection method: clinical testing. Allele origin: germline. Not counted in ClinVar's aggregate classification.
Comment: The TRPM1 c.2911T>C variant is predicted to result in the amino acid substitution p.Cys971Arg. To our knowledge, this variant has not been reported in the literature. This variant is reported in 0.023% of alleles in individuals of African descent in gnomAD. At this time, the clinical significance of this variant is uncertain due to the absence of conclusive functional and genetic evidence.

NM_001252024.2(TRPM1):c.2860T>C (p.Cys954Arg)

Genes: TRPM1 (transient receptor potential cation channel subfamily M member 1; minus strand), TRPM1-AS1 (TRPM1 antisense RNA 1; plus strand). Cytogenetic location: 15q13.3.
Variant type: single nucleotide variant.
Coding change: c.2860T>C on transcript NM_001252024.2 (MANE Select); coding-DNA position 2860, T replaced by C.
Protein change: p.Cys954Arg; replaces cysteine 954 with arginine.
Molecular consequence: missense variant.
Genome position (GRCh38, 1-based): chr15:31,032,781, A>G on the plus strand (T>C on the coding strand, the complement: TRPM1 is on the minus strand). VCF-style: chr15-31032781-A-G. GRCh37 (hg19) VCF-style: chr15-31324984-A-G.
Other names: c.2911T>C, p.Cys971Arg (NM_001252020.2); c.2794T>C, p.Cys932Arg (NM_002420.6); short protein forms C932R, C954R, C971R.
Identifiers: ClinVar variation 3353909 (VCV003353909.2).
Genomic context (GRCh38, chr15:31,032,781, plus strand): 5'-GATACTTGTTGACACCAAAGATGTCCAGGACACGGATGTACCAGAAGATGATATCCACAC[A>G]GTAGATCACCCGGCCATAGCCCATGTAGGGCTGGTTCTGTAGGCGAAGAATTGCTCCAAT-3'
Protein context (NP_001238953.1, residues 944-964): PYMGYGRVIY[Cys954Arg]VDIIFWYIRV